The following is an entry in ClinVar:

NM_007118.4(TRIO):c.2831A>G (p.Glu944Gly)

Gene: TRIO (trio Rho guanine nucleotide exchange factor; plus strand). Cytogenetic location: 5p15.2.
Variant type: single nucleotide variant.
Coding change: c.2831A>G on transcript NM_007118.4 (MANE Select); coding-DNA position 2831, A replaced by G.
Protein change: p.Glu944Gly; replaces glutamic acid 944 with glycine.
Molecular consequence: missense variant. On other transcripts: non-coding transcript variant (1).
Genome position (GRCh38, 1-based): chr5:14,366,936, A>G. VCF-style: chr5-14366936-A-G. GRCh37 (hg19) VCF-style: chr5-14367045-A-G.
Other names: short protein forms E944G.
Identifiers: ClinVar variation 1803546 (VCV001803546.2), dbSNP rs2532672957, ClinGen allele CA359213548.

ClinVar aggregate classification (germline): Uncertain significance (1 of 4 stars; one submission).

Submission:

GeneDx
Classification: Uncertain significance. Last evaluated: 2025-09-15. Review status: criteria provided, single submitter. Criteria: GeneDx Variant Classification Process June 2021. Collection method: clinical testing. Allele origin: germline.
Comment: Not observed at significant frequency in large population cohorts (gnomAD); In silico analysis supports that this missense variant has a deleterious effect on protein structure/function; Has not been previously published as pathogenic or benign to our knowledge